The following is an entry in ClinVar:

ClinVar aggregate classification (germline): Likely benign (0 of 4 stars; one submission).

Conditions:
EPPK1-related disorder. Also called: EPPK1-related condition.

Submission:

PreventionGenetics, part of Exact Sciences
Classification: Likely benign for EPPK1-related condition. Last evaluated: 2022-09-14. Review status: no assertion criteria provided. Collection method: clinical testing. Allele origin: germline.
Comment: This variant is classified as likely benign based on ACMG/AMP sequence variant interpretation guidelines (Richards et al. 2015 PMID: 25741868, with internal and published modifications).

NM_031308.4(EPPK1):c.4197CAA[1] (p.Asn1400del)

Gene: EPPK1 (epiplakin 1; minus strand). Cytogenetic location: 8q24.3.
Variant type: Microsatellite.
Coding change: c.4197CAA[1] on transcript NM_031308.4 (MANE Select); one copy of the 3-base unit CAA starting at c.4197; the reference has two copies in a row; one copy, 3 bases deleted.
Protein change: p.Asn1400del; deletes asparagine 1400.
Molecular consequence: inframe indel (on NM_031308.3).
Genome position (GRCh38, 1-based): chr8:143,869,052-143,869,054, TTG deleted on the plus strand (CAA on the coding strand, the reverse complement: EPPK1 is on the minus strand); deleting any 3 consecutive bases within chr8:143,869,052-143,869,058 gives the same sequence; the position shown is the placement nearest the transcript's 3' end. VCF-style (leftmost placement, unchanged base first): chr8-143869051-CTTG-C. GRCh37 (hg19) VCF-style: chr8-144943219-CTTG-C.
Other names: c.4196_4198ACA[1], p.Asn1400del (NM_031308.3); c.4200_4202delCAA (NM_031308.3); short protein forms N1400del.
Identifiers: ClinVar variation 3034883 (VCV003034883.2), dbSNP rs530092878, ClinGen allele CA4922566.
Genomic context (GRCh38, chr8:143,869,051, plus strand): 5'-GCAGCGCTCCCTGAGCTGCTGGTAGGTCACCTGGTCCCGCGCACTGGGGTCAAAGAAGAA[CTTG>C]TTGTCCTTGTCAACTGCAGTCAGCACCTGGCTCGTCTGTGTGTCCAGAAGGCCGAGTCTG-3'